The following is an entry in ClinVar:

NM_006348.5(COG5):c.1903A>G (p.Lys635Glu)

Gene: COG5 (component of oligomeric golgi complex 5; minus strand). Cytogenetic location: 7q22.3.
Variant type: single nucleotide variant.
Coding change: c.1903A>G on transcript NM_006348.5 (MANE Select); coding-DNA position 1903, A replaced by G.
Protein change: p.Lys635Glu; replaces lysine 635 with glutamic acid.
Molecular consequence: missense variant. On other transcripts: intron variant (1).
Genome position (GRCh38, 1-based): chr7:107,236,638, T>C on the plus strand (A>G on the coding strand, the complement: COG5 is on the minus strand). VCF-style: chr7-107236638-T-C. GRCh37 (hg19) VCF-style: chr7-106877083-T-C.
Other names: c.1903A>G, p.Lys635Glu (NM_001161520.2, NM_001379513.1); c.1741A>G, p.Lys581Glu (NM_001379511.1); c.1729A>G, p.Lys577Glu (NM_001379512.1); c.1333A>G, p.Lys445Glu (NM_001379515.1); c.1189A>G, p.Lys397Glu (NM_001379516.1); c.1840A>G, p.Lys614Glu (NM_181733.4); c.1853+11758A>G (NM_001379514.1); short protein forms K666E, K397E, K614E, K445E, K577E, K581E, K635E.
Identifiers: ClinVar variation 654888 (VCV000654888.6), dbSNP rs140418178, ClinGen allele CA4430742.
Genomic context (GRCh38, chr7:107,236,638, plus strand): 5'-AGCATTCAAAGTGTTTAAAATAGTCACTCATAACTCTGGCAATGAAACCTTGTAGCTCCT[T>C]CATGTACAGAGAACAAGGAACATCAGGTTTTCCTGAGCTGGATAATGACCTGTAAAAGAA-3'
Protein context (NP_006339.4, residues 625-645): KPDVPCSLYM[Lys635Glu]ELQGFIARVM

ClinVar aggregate classification (germline): Uncertain significance. Review status: criteria provided, multiple submitters, no conflicts (2 of 4 stars). 3 submissions from 3 submitters: Uncertain significance (3). Last evaluated 2025-08-13.

Conditions:
Inborn genetic diseases. Identifiers: MedGen C0950123, MeSH D030342.
COG5-congenital disorder of glycosylation. Also called: CDG IIi; COG5-CDG; CONGENITAL DISORDER OF GLYCOSYLATION, TYPE IIi. Identifiers: Orphanet 263487, MedGen C3150876, MONDO:0013325, OMIM 613612.

Allele frequency attached by ClinVar (database versions not stated): 1000 Genomes Project 30x 0.00016; 1000 Genomes Project 0.00020; gnomAD 0.00034 and 0.00032; ESP Exome Variant Server 0.00054; gnomAD exomes 0.00008; ExAC 0.00009; TOPMed 0.00031.
gnomAD v4.1: 84 of 1,614,034 alleles (0.0052%); highest among the groups gnomAD compares: African/African-American, 0.11%; no homozygotes.

Submissions (3):

Ambry Genetics
Classification: Uncertain significance for Inborn genetic diseases. Last evaluated: 2025-08-13. Review status: criteria provided, single submitter. Criteria: Ambry Variant Classification Scheme 2023. Collection method: clinical testing. Allele origin: germline.

Women's Health and Genetics/Laboratory Corporation of America, LabCorp
Classification: Uncertain significance. Last evaluated: 2024-04-18. Review status: criteria provided, single submitter. Criteria: LabCorp Variant Classification Summary - May 2015. Collection method: clinical testing. Allele origin: germline.
Comment: Variant summary: COG5 c.1903A>G (p.Lys635Glu) results in a conservative amino acid change in the encoded protein sequence. Three of four in-silico tools predict a benign effect of the variant on protein function. The variant allele was found at a frequency of 7.6e-05 in 251390 control chromosomes. The available data on variant occurrences in the general population are insufficient to allow any conclusion about variant significance. To our knowledge, no occurrence of c.1903A>G in individuals affected with Congenital Disorder Of Glycosylation, Type 2i and no experimental evidence demonstrating its impact on protein function have been reported. ClinVar contains an entry for this variant (Variation ID: 654888). Based on the evidence outlined above, the variant was classified as uncertain significance.

Labcorp Genetics (formerly Invitae), Labcorp
Classification: Uncertain significance for COG5-congenital disorder of glycosylation. Last evaluated: 2022-08-16. Review status: criteria provided, single submitter. Criteria: Invitae Variant Classification Sherloc (09022015). Collection method: clinical testing. Allele origin: germline.
Comment: This sequence change replaces lysine, which is basic and polar, with glutamic acid, which is acidic and polar, at codon 666 of the COG5 protein (p.Lys666Glu). This variant is present in population databases (rs140418178, gnomAD 0.1%). This variant has not been reported in the literature in individuals affected with COG5-related conditions. ClinVar contains an entry for this variant (Variation ID: 654888). Algorithms developed to predict the effect of missense changes on protein structure and function (SIFT, PolyPhen-2, Align-GVGD) all suggest that this variant is likely to be tolerated. In summary, the available evidence is currently insufficient to determine the role of this variant in disease. Therefore, it has been classified as a Variant of Uncertain Significance.